The following is an entry in ClinVar:

ClinVar aggregate classification (germline): Uncertain significance. Review status: criteria provided, multiple submitters, no conflicts (2 of 4 stars). 2 submissions from 2 submitters: Uncertain significance (2). Last evaluated 2025-12-31.

Conditions:
Inborn genetic diseases. Identifiers: MedGen C0950123, MeSH D030342.

Allele frequency attached by ClinVar (database versions not stated): gnomAD 0.00001; TOPMed 0.00003.

Submissions (2):

Labcorp Genetics (formerly Invitae), Labcorp
Classification: Uncertain significance. Last evaluated: 2025-12-31. Review status: criteria provided, single submitter. Criteria: Invitae Variant Classification Sherloc (09022015). Collection method: clinical testing. Allele origin: germline.
Comment: This sequence change replaces threonine, which is neutral and polar, with serine, which is neutral and polar, at codon 1157 of the AHDC1 protein (p.Thr1157Ser). This variant is present in population databases (no rsID available, gnomAD 0.002%). This variant has not been reported in the literature in individuals affected with AHDC1-related conditions. ClinVar contains an entry for this variant (Variation ID: 2233674). An algorithm developed to predict the effect of missense changes on protein structure and function (PolyPhen-2) suggests that this variant is likely to be disruptive. In summary, the available evidence is currently insufficient to determine the role of this variant in disease. Therefore, it has been classified as a Variant of Uncertain Significance.

Ambry Genetics
Classification: Uncertain significance for Inborn genetic diseases. Last evaluated: 2021-06-29. Review status: criteria provided, single submitter. Criteria: Ambry Variant Classification Scheme 2023. Collection method: clinical testing. Allele origin: germline.

NM_001371928.1(AHDC1):c.3469A>T (p.Thr1157Ser)

Gene: AHDC1 (AT-hook DNA binding motif containing 1; minus strand). Cytogenetic location: 1p36.11.
Variant type: single nucleotide variant.
Coding change: c.3469A>T on transcript NM_001371928.1 (MANE Select); coding-DNA position 3469, A replaced by T.
Protein change: p.Thr1157Ser; replaces threonine 1157 with serine.
Molecular consequence: missense variant.
Genome position (GRCh38, 1-based): chr1:27,548,647, T>A on the plus strand (A>T on the coding strand, the complement: AHDC1 is on the minus strand). VCF-style: chr1-27548647-T-A. GRCh37 (hg19) VCF-style: chr1-27875158-T-A.
Other names: c.3469A>T, p.Thr1157Ser (NM_001029882.3); c.-575A>T (NM_015699.1); short protein forms T1157S.
Identifiers: ClinVar variation 2233674 (VCV002233674.3), dbSNP rs1156861320, ClinGen allele CA339226411.
Genomic context (GRCh38, chr1:27,548,647, plus strand): 5'-CCGGCTGATTGAACTGGGTGCTGTCGGAGGATGACTCAGAGAAGGTCTCCGACACAGCCG[T>A]CTGCTGCTTCACCTTCTGCGGTGTGTAGTTGGAGATGTCCAGGATCACGTTGGGCTCGCT-3'
Protein context (NP_001358857.1, residues 1147-1167): NYTPQKVKQQ[Thr1157Ser]AVSETFSESS